The following is an entry in ClinVar:

NM_018263.6(ASXL2):c.1549A>C (p.Ser517Arg)

Gene: ASXL2 (ASXL transcriptional regulator 2; minus strand). Cytogenetic location: 2p23.3.
Variant type: single nucleotide variant.
Coding change: c.1549A>C on transcript NM_018263.6 (MANE Select); coding-DNA position 1549, A replaced by C.
Protein change: p.Ser517Arg; replaces serine 517 with arginine.
Molecular consequence: missense variant.
Genome position (GRCh38, 1-based): chr2:25,750,007, T>G on the plus strand (A>C on the coding strand, the complement: ASXL2 is on the minus strand). VCF-style: chr2-25750007-T-G. GRCh37 (hg19) VCF-style: chr2-25972876-T-G.
Other names: c.1375A>C, p.Ser459Arg (NM_001369346.1); c.769A>C, p.Ser257Arg (NM_001369347.1); short protein forms S257R, S459R, S517R.
Identifiers: ClinVar variation 2628886 (VCV002628886.1), dbSNP rs2088015648, ClinGen allele CA346075477.

ClinVar aggregate classification (germline): Uncertain significance (1 of 4 stars; one submission).

Conditions:
ASXL2-related disorder. Also called: ASXL2-related condition.

Allele frequency attached by ClinVar (database versions not stated): TOPMed below 0.00001.

Submission:

PreventionGenetics, part of Exact Sciences
Classification: Uncertain significance for ASXL2-related condition. Last evaluated: 2023-03-09. Review status: criteria provided, single submitter. Criteria: ACMG Guidelines, 2015. Collection method: clinical testing. Allele origin: germline.
Comment: The ASXL2 c.1549A>C variant is predicted to result in the amino acid substitution p.Ser517Arg. To our knowledge, this variant has not been reported in the literature or in a large population database, indicating this variant is rare. At this time, the clinical significance of this variant is uncertain due to the absence of conclusive functional and genetic evidence.